The following is an entry in ClinVar:

NM_001384732.1(CPLANE1):c.8221_8244del (p.Cys2741_Ala2748del)

Gene: CPLANE1 (ciliogenesis and planar polarity effector complex subunit 1; minus strand). Cytogenetic location: 5p13.2.
Variant type: Deletion.
Coding change: c.8221_8244del on transcript NM_001384732.1 (MANE Select); coding-DNA positions 8221 to 8244, 24 bases deleted (TGCCCTGCACCAAGCTCTGCAGCT).
Protein change: p.Cys2741_Ala2748del.
Molecular consequence: inframe deletion.
Genome position (GRCh38, 1-based): chr5:37,153,869-37,153,892, AGCTGCAGAGCTTGGTGCAGGGCA deleted on the plus strand (TGCCCTGCACCAAGCTCTGCAGCT on the coding strand, the reverse complement: CPLANE1 is on the minus strand); deleting any 24 consecutive bases within chr5:37,153,869-37,153,902 gives the same sequence; the c. name uses the placement nearest the transcript's 3' end. VCF-style (leftmost placement, unchanged base first): chr5-37153868-GAGCTGCAGAGCTTGGTGCAGGGCA-G. GRCh37 (hg19) VCF-style: chr5-37153970-GAGCTGCAGAGCTTGGTGCAGGGCA-G.
Other names: c.8059_8082del, p.Cys2687_Ala2694del (NM_023073.4).
Identifiers: ClinVar variation 2002349 (VCV002002349.1), dbSNP rs776212042, ClinGen allele CA3237840.
Genomic context (GRCh38, chr5:37,153,868, plus strand): 5'-GTATTGCTAGCAACTGCTCGTCAATTTTCTGAAGCTTAGCACTGAGATGCTCTAGTTGGT[GAGCTGCAGAGCTTGGTGCAGGGCA>G]AGCTGCAGAGACACCTTGCAGCCGTTTCCACAATAGATAATCTTCTGCAGAGTCTGACTT-3'

ClinVar aggregate classification (germline): Uncertain significance (1 of 4 stars; one submission).

Submission:

Labcorp Genetics (formerly Invitae), Labcorp
Classification: Uncertain significance. Last evaluated: 2022-06-28. Review status: criteria provided, single submitter. Criteria: Invitae Variant Classification Sherloc (09022015). Collection method: clinical testing. Allele origin: germline.
Comment: This variant, c.8059_8082del, results in the deletion of 8 amino acid(s) of the CPLANE1 protein (p.Cys2687_Ala2694del), but otherwise preserves the integrity of the reading frame. This variant is present in population databases (rs776212042, gnomAD 0.007%). This variant has not been reported in the literature in individuals affected with CPLANE1-related conditions. Experimental studies and prediction algorithms are not available or were not evaluated, and the functional significance of this variant is currently unknown. In summary, the available evidence is currently insufficient to determine the role of this variant in disease. Therefore, it has been classified as a Variant of Uncertain Significance.